The following is an entry in ClinVar:

ClinVar aggregate classification (germline): Likely benign (1 of 4 stars; one submission).

gnomAD v4.1: 1 of 1,612,338 alleles (0.000062%); highest among the groups gnomAD compares: Non-Finnish European, 0.000085%; no homozygotes.

Submission:

GeneDx
Classification: Likely benign. Last evaluated: 2016-04-18. Review status: criteria provided, single submitter. Criteria: GeneDx Variant Classification (06012015). Collection method: clinical testing. Allele origin: germline. Affected: yes.
Comment: This variant is considered likely benign or benign based on one or more of the following criteria: it is a conservative change, it occurs at a poorly conserved position in the protein, it is predicted to be benign by multiple in silico algorithms, and/or has population frequency not consistent with disease.

NM_000191.3(HMGCL):c.561+20C>G

Gene: HMGCL (3-hydroxy-3-methylglutaryl-CoA lyase; minus strand). Cytogenetic location: 1p36.11.
Variant type: single nucleotide variant.
Coding change: c.561+20C>G on transcript NM_000191.3 (MANE Select); 20 bases into the intron after coding-DNA position 561, C replaced by G.
Molecular consequence: intron variant.
Genome position (GRCh38, 1-based): chr1:23,810,716, G>C on the plus strand (C>G on the coding strand, the complement: HMGCL is on the minus strand). VCF-style: chr1-23810716-G-C. GRCh37 (hg19) VCF-style: chr1-24137206-G-C.
Other names: c.349-2393C>G (NM_001166059.2).
Identifiers: ClinVar variation 385155 (VCV000385155.1), dbSNP rs781059597, ClinGen allele CA16603662.